The following is an entry in ClinVar:

NM_000147.5(FUCA1):c.350C>T (p.Pro117Leu)

Gene: FUCA1 (alpha-L-fucosidase 1; minus strand). Cytogenetic location: 1p36.11.
Variant type: single nucleotide variant.
Coding change: c.350C>T on transcript NM_000147.5 (MANE Select); coding-DNA position 350, C replaced by T.
Protein change: p.Pro117Leu; replaces proline 117 with leucine.
Molecular consequence: missense variant.
Genome position (GRCh38, 1-based): chr1:23,867,937, G>A on the plus strand (C>T on the coding strand, the complement: FUCA1 is on the minus strand). VCF-style: chr1-23867937-G-A. GRCh37 (hg19) VCF-style: chr1-24194427-G-A.
Other names: c.350C>T (NM_000147.4); short protein forms P117L.
Identifiers: ClinVar variation 1042836 (VCV001042836.6), dbSNP rs777581303, ClinGen allele CA686577.

ClinVar aggregate classification (germline): Uncertain significance. Review status: criteria provided, multiple submitters, no conflicts (2 of 4 stars). 2 submissions from 2 submitters: Uncertain significance (2). Last evaluated 2024-03-20.

Conditions:
Inborn genetic diseases. Identifiers: MedGen C0950123, MeSH D030342.
Fucosidosis. Also called: ALPHA-L-FUCOSIDASE DEFICIENCY. Identifiers: Orphanet 349, MedGen C0016788, MONDO:0009254, OMIM 230000.

Allele frequency attached by ClinVar (database versions not stated): ExAC below 0.00001; gnomAD exomes 0.00001; TOPMed 0.00001.

Submissions (2):

Ambry Genetics
Classification: Uncertain significance for Inborn genetic diseases. Last evaluated: 2024-03-20. Review status: criteria provided, single submitter. Criteria: Ambry Variant Classification Scheme 2023. Collection method: clinical testing. Allele origin: germline.

Labcorp Genetics (formerly Invitae), Labcorp
Classification: Uncertain significance for Fucosidosis. Last evaluated: 2022-07-26. Review status: criteria provided, single submitter. Criteria: Invitae Variant Classification Sherloc (09022015). Collection method: clinical testing. Allele origin: germline.
Comment: This sequence change replaces proline, which is neutral and non-polar, with leucine, which is neutral and non-polar, at codon 117 of the FUCA1 protein (p.Pro117Leu). This variant is present in population databases (rs777581303, gnomAD 0.02%). This variant has not been reported in the literature in individuals affected with FUCA1-related conditions. ClinVar contains an entry for this variant (Variation ID: 1042836). Algorithms developed to predict the effect of missense changes on protein structure and function are either unavailable or do not agree on the potential impact of this missense change (SIFT: "Deleterious"; PolyPhen-2: "Probably Damaging"; Align-GVGD: "Class C0"). In summary, the available evidence is currently insufficient to determine the role of this variant in disease. Therefore, it has been classified as a Variant of Uncertain Significance.